The following is an entry in ClinVar:

NM_005902.4(SMAD3):c.164T>G (p.Ile55Ser)

Gene: SMAD3 (SMAD family member 3; plus strand). Cytogenetic location: 15q22.33.
Variant type: single nucleotide variant.
Coding change: c.164T>G on transcript NM_005902.4 (MANE Select); coding-DNA position 164, T replaced by G.
Protein change: p.Ile55Ser; replaces isoleucine 55 with serine.
Molecular consequence: missense variant.
Genome position (GRCh38, 1-based): chr15:67,066,318, T>G. VCF-style: chr15-67066318-T-G. GRCh37 (hg19) VCF-style: chr15-67358656-T-G.
Other names: c.164T>G, p.Ile55Ser (NM_001407011.1, NM_001407012.1, NM_001407013.1); short protein forms I55S.
Identifiers: ClinVar variation 3073880 (VCV003073880.1), dbSNP rs1959915289, ClinGen allele CA393203036.

ClinVar aggregate classification (germline): Uncertain significance (1 of 4 stars; one submission).

Conditions:
Aneurysm-osteoarthritis syndrome. Also called: SMAD3-Related Loeys-Dietz Syndrome; ANEURYSMS-OSTEOARTHRITIS SYNDROME; Loeys-Dietz syndrome, type 1C; LOEYS-DIETZ SYNDROME WITH OSTEOARTHRITIS. Identifiers: Orphanet 284984, MedGen C3151087, MONDO:0013426, OMIM 613795.

Allele frequency attached by ClinVar (database versions not stated): gnomAD exomes below 0.00001.
gnomAD v4.1: 1 of 1,613,242 alleles (0.000062%); highest among the groups gnomAD compares: Non-Finnish European, 0.000085%; no homozygotes.

Submission:

All of Us Research Program, National Institutes of Health
Classification: Uncertain significance for Aneurysm-osteoarthritis syndrome. Last evaluated: 2023-11-30. Review status: criteria provided, single submitter. Criteria: ACMG Guidelines, 2015. Collection method: clinical testing. Allele origin: germline. Inheritance: Autosomal dominant inheritance. Observed: 1 variant allele, 1 heterozygote.
Comment: This study involves interpretation of variants in research participants for the purpose of population health screening. Participant phenotype was not available at the time of variant classification. Additional details can be found in publication PMID: 35346344, PMCID: PMC8962531